The following is an entry in ClinVar:

ClinVar aggregate classification (germline): Uncertain significance. Review status: criteria provided, multiple submitters, no conflicts (2 of 4 stars). 2 submissions from 2 submitters: Uncertain significance (2). Last evaluated 2024-02-02.

Conditions:
Xeroderma pigmentosum, group G (XPG). Also called: XERODERMA PIGMENTOSUM VII; XP, GROUP G; Xeroderma pigmentosum type 7; ERCC5-Related Xeroderma Pigmentosum. Identifiers: MedGen C0268141, MONDO:0010216, OMIM 278780.
Cerebrooculofacioskeletal syndrome 3 (COFS3). Identifiers: MedGen C1851443, MONDO:0014696, OMIM 616570.

Allele frequency attached by ClinVar (database versions not stated): ExAC 0.00001; gnomAD 0.00001; gnomAD exomes 0.00001; TOPMed 0.00001.
gnomAD v4.1: 26 of 1,613,982 alleles (0.0016%); highest among the groups gnomAD compares: Middle Eastern, 0.049%; no homozygotes.

Submissions (2):

Fulgent Genetics
Classification: Uncertain significance for Xeroderma pigmentosum, group G; Cerebrooculofacioskeletal syndrome 3. Last evaluated: 2024-02-02. Review status: criteria provided, single submitter. Criteria: ACMG Guidelines, 2015. Collection method: clinical testing. Allele origin: germline.

Labcorp Genetics (formerly Invitae), Labcorp
Classification: Uncertain significance. Last evaluated: 2022-03-26. Review status: criteria provided, single submitter. Criteria: Invitae Variant Classification Sherloc (09022015). Collection method: clinical testing. Allele origin: germline.
Comment: This sequence change replaces asparagine, which is neutral and polar, with serine, which is neutral and polar, at codon 1062 of the ERCC5 protein (p.Asn1062Ser). This variant is present in population databases (rs754375913, gnomAD 0.004%). In summary, the available evidence is currently insufficient to determine the role of this variant in disease. Therefore, it has been classified as a Variant of Uncertain Significance. Algorithms developed to predict the effect of sequence changes on RNA splicing suggest that this variant may create or strengthen a splice site. Algorithms developed to predict the effect of missense changes on protein structure and function output the following: SIFT: "Tolerated"; PolyPhen-2: "Benign"; Align-GVGD: "Class C0". The serine amino acid residue is found in multiple mammalian species, which suggests that this missense change does not adversely affect protein function. This variant has not been reported in the literature in individuals affected with ERCC5-related conditions.

NM_000123.4(ERCC5):c.3185A>G (p.Asn1062Ser)

Genes: BIVM-ERCC5 (BIVM-ERCC5 readthrough; plus strand), ERCC5 (ERCC excision repair 5, endonuclease; plus strand). Cytogenetic location: 13q33.1.
Variant type: single nucleotide variant.
Coding change: c.3185A>G on transcript NM_000123.4 (MANE Select); coding-DNA position 3185, A replaced by G.
Protein change: p.Asn1062Ser; replaces asparagine 1062 with serine.
Molecular consequence: missense variant.
Genome position (GRCh38, 1-based): chr13:102,875,527, A>G. VCF-style: chr13-102875527-A-G. GRCh37 (hg19) VCF-style: chr13-103527877-A-G.
Other names: c.4547A>G, p.Asn1516Ser (NM_001204425.2); short protein forms N1516S, N1062S.
Identifiers: ClinVar variation 2084023 (VCV002084023.4), dbSNP rs754375913, ClinGen allele CA7041847.